The following is an entry in ClinVar:

NM_020784.3(TXNDC16):c.1137T>C (p.Thr379=)

Gene: TXNDC16 (thioredoxin domain containing 16; minus strand). Cytogenetic location: 14q22.1.
Variant type: single nucleotide variant.
Coding change: c.1137T>C on transcript NM_020784.3 (MANE Select); coding-DNA position 1137, T replaced by C.
Protein change: p.Thr379=; no amino-acid change (threonine 379 retained).
Molecular consequence: synonymous variant.
Genome position (GRCh38, 1-based): chr14:52,482,937, A>G on the plus strand (T>C on the coding strand, the complement: TXNDC16 is on the minus strand). VCF-style: chr14-52482937-A-G. GRCh37 (hg19) VCF-style: chr14-52949655-A-G.
Other names: c.1122T>C, p.Thr374= (NM_001160047.2).
Identifiers: ClinVar variation 4822367 (VCV004822367.4).
Genomic context (GRCh38, chr14:52,482,937, plus strand): 5'-TTCTTCTGTTAGTTCCACTGTAAGTTCCAAAGGTAATTTTCTCTTCCTATCTCTGAAAAC[A>G]GTTTCTGCCACTTCATCATCCTGAACATCTAAAATGTTGGAAAAGAAATTAATTTAAATA-3'
Protein context (NP_065835.2, residues 369-389): IDVQDDEVAE[Thr379=]VFRDRKRKLP

ClinVar aggregate classification (germline): Likely benign (1 of 4 stars; one submission).

gnomAD v4.1: 1 of 1,609,514 alleles (0.000062%); highest among the groups gnomAD compares: Admixed American, 0.0017%; no homozygotes.

Submission:

CeGaT Center for Human Genetics Tuebingen
Classification: Likely benign. Last evaluated: 2026-01-01. Review status: criteria provided, single submitter. Criteria: CeGaT Center For Human Genetics Tuebingen Variant Classification Criteria Version 2. Collection method: clinical testing. Allele origin: germline. Affected: yes. Observed: 1 variant allele.
Comment: TXNDC16: BP4, BP7